The following is an entry in ClinVar:

ClinVar aggregate classification (germline): Pathogenic (1 of 4 stars; one submission).

Submission:

Labcorp Genetics (formerly Invitae), Labcorp
Classification: Pathogenic. Last evaluated: 2023-01-17. Review status: criteria provided, single submitter. Criteria: Invitae Variant Classification Sherloc (09022015). Collection method: clinical testing. Allele origin: germline.
Comment: For these reasons, this variant has been classified as Pathogenic. This variant has not been reported in the literature in individuals affected with COL2A1-related conditions. This variant is not present in population databases (gnomAD no frequency). This sequence change creates a premature translational stop signal (p.Gly777*) in the COL2A1 gene. It is expected to result in an absent or disrupted protein product. Loss-of-function variants in COL2A1 are known to be pathogenic (PMID: 20179744).

Literature cited by the submitters: PubMed 20179744.

NM_001844.5(COL2A1):c.2329G>T (p.Gly777Ter)

Gene: COL2A1 (collagen type II alpha 1 chain; minus strand). Cytogenetic location: 12q13.11.
Variant type: single nucleotide variant.
Coding change: c.2329G>T on transcript NM_001844.5 (MANE Select); coding-DNA position 2329, G replaced by T.
Protein change: p.Gly777Ter; replaces glycine 777 with a stop codon.
Molecular consequence: nonsense.
Genome position (GRCh38, 1-based): chr12:47,982,133, C>A on the plus strand (G>T on the coding strand, the complement: COL2A1 is on the minus strand). VCF-style: chr12-47982133-C-A. GRCh37 (hg19) VCF-style: chr12-48375916-C-A.
Other names: c.2122G>T, p.Gly708Ter (NM_033150.3); short protein forms G777*, G708*.
Identifiers: ClinVar variation 2829543 (VCV002829543.3), dbSNP rs2540131993, ClinGen allele CA384545698.